The following is an entry in ClinVar:

ClinVar aggregate classification (germline): Conflicting classifications of pathogenicity. Review status: criteria provided, conflicting classifications (1 of 4 stars). 3 submissions from 3 submitters: Uncertain significance (2); Benign (1). Last evaluated 2025-05-19.

Conditions:
Hereditary cancer-predisposing syndrome. Also called: Hereditary Cancer Syndrome; Tumor predisposition; Neoplastic Syndromes, Hereditary; Hereditary neoplastic syndrome. Identifiers: Orphanet 140162, MedGen C0027672, MeSH D009386, MONDO:0015356.
Hereditary breast ovarian cancer syndrome. Also called: Hereditary breast and ovarian cancer syndrome; Hereditary breast and/or ovarian cancer syndrome; Hereditary breast and ovarian cancer syndrome (HBOC); Breast and ovarian cancer; Hereditary breast and ovarian cancer; BRCA1- and BRCA2-Associated Hereditary Breast and Ovarian Cancer. Identifiers: Orphanet 145, MedGen C0677776, MeSH D061325, MONDO:0003582. Disease mechanism: loss of function.

Submissions (3):

Ambry Genetics
Classification: Benign for Hereditary cancer-predisposing syndrome. Last evaluated: 2025-05-19. Review status: criteria provided, single submitter. Criteria: Ambry Variant Classification Scheme 2023. Collection method: clinical testing. Allele origin: germline.

Labcorp Genetics (formerly Invitae), Labcorp
Classification: Uncertain significance for Hereditary breast ovarian cancer syndrome. Last evaluated: 2023-09-17. Review status: criteria provided, single submitter. Criteria: Invitae Variant Classification Sherloc (09022015). Collection method: clinical testing. Allele origin: germline.
Comment: This sequence change replaces alanine, which is neutral and non-polar, with glutamic acid, which is acidic and polar, at codon 2825 of the BRCA2 protein (p.Ala2825Glu). This variant is not present in population databases (gnomAD no frequency). This variant has not been reported in the literature in individuals affected with BRCA2-related conditions. ClinVar contains an entry for this variant (Variation ID: 862903). Advanced modeling of protein sequence and biophysical properties (such as structural, functional, and spatial information, amino acid conservation, physicochemical variation, residue mobility, and thermodynamic stability) performed at Invitae indicates that this missense variant is not expected to disrupt BRCA2 protein function. In summary, the available evidence is currently insufficient to determine the role of this variant in disease. Therefore, it has been classified as a Variant of Uncertain Significance.

Quest Diagnostics Nichols Institute San Juan Capistrano
Classification: Uncertain significance. Last evaluated: 2023-08-03. Review status: criteria provided, single submitter. Criteria: Quest Diagnostics criteria. Collection method: clinical testing. Allele origin: unknown.
Comment: In the published literature, this variant has been reported in an individual with pancreatic cancer (PMID: 35171259 (2022)). The variant has also been reported in an unaffected individual (PMID: 32467295 (2020)). This variant has not been reported in large, multi-ethnic general populations (Genome Aggregation Database). Analysis of this variant using bioinformatics tools for the prediction of the effect of amino acid changes on protein structure and function yielded predictions that this variant is benign. Based on the available information, we are unable to determine the clinical significance of this variant.

Literature cited by the submitters: PubMed 35171259 (cited by Ambry Genetics and Quest Diagnostics Nichols Institute San Juan Capistrano); PubMed 32467295 (cited by Quest Diagnostics Nichols Institute San Juan Capistrano).

NM_000059.4(BRCA2):c.8474C>A (p.Ala2825Glu)

Gene: BRCA2 (BRCA2 DNA repair associated; plus strand). Cytogenetic location: 13q13.1.
Variant type: single nucleotide variant.
Coding change: c.8474C>A on transcript NM_000059.4 (MANE Select); coding-DNA position 8474, C replaced by A.
Protein change: p.Ala2825Glu; replaces alanine 2825 with glutamic acid.
Molecular consequence: missense variant.
Genome position (GRCh38, 1-based): chr13:32,370,544, C>A. VCF-style: chr13-32370544-C-A. GRCh37 (hg19) VCF-style: chr13-32944681-C-A.
Other names: short protein forms A2825E.
Identifiers: ClinVar variation 862903 (VCV000862903.13), dbSNP rs2072823455, ClinGen allele CA387752626.